The following is an entry in ClinVar:

NM_006218.4(PIK3CA):c.139C>T (p.His47Tyr)

Gene: PIK3CA (phosphatidylinositol-4,5-bisphosphate 3-kinase catalytic subunit alpha; plus strand). Cytogenetic location: 3q26.32.
Variant type: single nucleotide variant.
Coding change: c.139C>T on transcript NM_006218.4 (MANE Select); coding-DNA position 139, C replaced by T.
Protein change: p.His47Tyr; replaces histidine 47 with tyrosine.
Molecular consequence: missense variant.
Genome position (GRCh38, 1-based): chr3:179,198,964, C>T. VCF-style: chr3-179198964-C-T. GRCh37 (hg19) VCF-style: chr3-178916752-C-T.
Other names: short protein forms H47Y.
Identifiers: ClinVar variation 864664 (VCV000864664.10), dbSNP rs1724336565, ClinGen allele CA355271277.

ClinVar aggregate classification (germline): Uncertain significance (1 of 4 stars; one submission).

Conditions:
Cowden syndrome (CS). Also called: Cowden disease; Cowden's disease; Cowden's syndrome. Identifiers: Orphanet 201, MedGen C0018553, MONDO:0016063. Disease mechanism: gain of function.

Submission:

Labcorp Genetics (formerly Invitae), Labcorp
Classification: Uncertain significance for Cowden syndrome. Last evaluated: 2019-02-01. Review status: criteria provided, single submitter. Criteria: Invitae Variant Classification Sherloc (09022015). Collection method: clinical testing. Allele origin: germline.
Comment: In summary, the available evidence is currently insufficient to determine the role of this variant in disease. Therefore, it has been classified as a Variant of Uncertain Significance. Algorithms developed to predict the effect of sequence changes on RNA splicing suggest that this variant may create or strengthen a splice site, but this prediction has not been confirmed by published transcriptional studies. Algorithms developed to predict the effect of missense changes on protein structure and function are either unavailable or do not agree on the potential impact of this missense change (SIFT: "Deleterious"; PolyPhen-2: "Benign"; Align-GVGD: "Class C0"). This variant has not been reported in the literature in individuals with PIK3CA-related conditions. This variant is not present in population databases (ExAC no frequency). This sequence change replaces histidine with tyrosine at codon 47 of the PIK3CA protein (p.His47Tyr). The histidine residue is highly conserved and there is a moderate physicochemical difference between histidine and tyrosine.